The following is an entry in ClinVar:

ClinVar aggregate classification (germline): Pathogenic (1 of 4 stars; one submission).

Conditions:
Primary ciliary dyskinesia 3. Identifiers: Orphanet 244, MedGen C1837618, MONDO:0012085, OMIM 608644.

Submission:

Myriad Genetics, Inc.
Classification: Pathogenic for Primary ciliary dyskinesia 3. Last evaluated: 2025-11-08. Review status: criteria provided, single submitter. Criteria: Myriad Autosomal Dominant, Autosomal Recessive and X-Linked Classification Criteria (2023). Collection method: clinical testing. Allele origin: unknown.
Comment: NM_001369.2(DNAH5):c.5130_5131insG(R1711Afs*37) is expected to be pathogenic in the context of primary ciliary dyskinesia, DNAH5-related. This variant is predicted to lead to an abnormal or absent protein product due to the creation of a premature termination codon in DNAH5, a gene where loss-of-function variants are known to be pathogenic. Please note: this variant was assessed in the context of healthy population screening.

NM_001369.3(DNAH5):c.5130_5131insG (p.Arg1711fs)

Gene: DNAH5 (dynein axonemal heavy chain 5; minus strand). Cytogenetic location: 5p15.2.
Variant type: Insertion.
Coding change: c.5130_5131insG on transcript NM_001369.3 (MANE Select); coding-DNA positions 5130 to 5131, G inserted.
Protein change: p.Arg1711fs; shifts the reading frame from arginine 1711.
Molecular consequence: frameshift variant.
Genome position: GRCh38 VCF-style: chr5-13844977-G-GC. GRCh37 (hg19) VCF-style: chr5-13845086-G-GC.
Other names: short protein forms R1711fs.
Identifiers: ClinVar variation 5015185 (VCV005015185.1).
Genomic context (GRCh38, chr5:13,844,977, plus strand): 5'-GCCCCAGAATCTCTAGAAGGGCAGGATCTGAGACGAAGAAAAACCGAGGAAAGCACAGTC[G>GC]TTTTTTCTCCAAGTACCTACAAGGAGAGGAAAAACATAAACCTTTATAACCACACAAAGC-3'